The following is an entry in ClinVar:

NM_006218.4(PIK3CA):c.884C>G (p.Ser295Cys)

Gene: PIK3CA (phosphatidylinositol-4,5-bisphosphate 3-kinase catalytic subunit alpha; plus strand). Cytogenetic location: 3q26.32.
Variant type: single nucleotide variant.
Coding change: c.884C>G on transcript NM_006218.4 (MANE Select); coding-DNA position 884, C replaced by G.
Protein change: p.Ser295Cys; replaces serine 295 with cysteine.
Molecular consequence: missense variant.
Genome position (GRCh38, 1-based): chr3:179,203,614, C>G. VCF-style: chr3-179203614-C-G. GRCh37 (hg19) VCF-style: chr3-178921402-C-G.
Other names: short protein forms S295C.
Identifiers: ClinVar variation 1764870 (VCV001764870.2), dbSNP rs1426596111, ClinGen allele CA355280108.
Genomic context (GRCh38, chr3:179,203,614, plus strand): 5'-GCTGTATAATGCTTGGGAGGATGCCCAATTTGATGTTGATGGCTAAAGAAAGCCTTTATT[C>G]TCAACTGCCAATGGACTGTTTTACAATGCCATCTTATTCCAGACGCATTTCCACAGCTAC-3'
Protein context (NP_006209.2, residues 285-305): LMLMAKESLY[Ser295Cys]QLPMDCFTMP

ClinVar aggregate classification (germline): Uncertain significance (1 of 4 stars; one submission).

Conditions:
Inborn genetic diseases. Identifiers: MedGen C0950123, MeSH D030342.

Submission:

Ambry Genetics
Classification: Uncertain significance for Inborn genetic diseases. Last evaluated: 2021-08-19. Review status: criteria provided, single submitter. Criteria: Ambry Variant Classification Scheme 2023. Collection method: clinical testing. Allele origin: germline.
Comment: The p.S295C variant (also known as c.884C>G), located in coding exon 4 of the PIK3CA gene, results from a C to G substitution at nucleotide position 884. The serine at codon 295 is replaced by cysteine, an amino acid with dissimilar properties. This amino acid position is conserved. In addition, this alteration is predicted to be tolerated by in silico analysis. Since supporting evidence is limited at this time, the clinical significance of this alteration remains unclear.